The following is an entry in ClinVar:

NM_017947.4(MOCOS):c.1968G>T (p.Glu656Asp)

Gene: MOCOS (molybdenum cofactor sulfurase; plus strand). Cytogenetic location: 18q12.2.
Variant type: single nucleotide variant.
Coding change: c.1968G>T on transcript NM_017947.4 (MANE Select); coding-DNA position 1968, G replaced by T.
Protein change: p.Glu656Asp; replaces glutamic acid 656 with aspartic acid.
Molecular consequence: missense variant.
Genome position (GRCh38, 1-based): chr18:36,248,929, G>T. VCF-style: chr18-36248929-G-T. GRCh37 (hg19) VCF-style: chr18-33828892-G-T.
Other names: short protein forms E656D.
Identifiers: ClinVar variation 1423060 (VCV001423060.6), dbSNP rs188606897, ClinGen allele CA8940898.
Genomic context (GRCh38, chr18:36,248,929, plus strand): 5'-GTAGCTGTTGTTTTTACATAATGATAAATTTGTTTTTAACCTTTGTTCATTAGGGATGGA[G>T]CCTATAGAGGTGCCTCTTGAGGAAAATAGTGAACGGACTCAGATTCGCCAAAGCAGGGTC-3'
Protein context (NP_060417.4, residues 646-666): RIMVIKAKGM[Glu656Asp]PIEVPLEENS

ClinVar aggregate classification (germline): Uncertain significance. Review status: criteria provided, multiple submitters, no conflicts (2 of 4 stars). 3 submissions from 3 submitters: Uncertain significance (3). Last evaluated 2024-09-09.

Conditions:
Xanthinuria type II. Also called: Xanthine dehydrogenase and aldehyde oxidase combined deficiency of; XDH and AOX dual deficiency. Identifiers: Orphanet 3467, Orphanet 93602, MedGen C1863688, MONDO:0011346, OMIM 603592.

Allele frequency attached by ClinVar (database versions not stated): ESP Exome Variant Server 0.00008; TOPMed 0.00011; 1000 Genomes Project 0.00040; 1000 Genomes Project 30x 0.00047.
gnomAD v4.1: 115 of 1,613,682 alleles (0.0071%); highest among the groups gnomAD compares: Middle Eastern, 0.16%; 1 homozygote.

Submissions (3):

Blueprint Genetics
Classification: Uncertain significance. Last evaluated: 2024-09-09. Review status: criteria provided, single submitter. Criteria: ACMG Guidelines, 2015. Collection method: clinical testing. Allele origin: germline.

Fulgent Genetics
Classification: Uncertain significance for Xanthinuria type II. Last evaluated: 2021-12-15. Review status: criteria provided, single submitter. Criteria: ACMG Guidelines, 2015. Collection method: clinical testing. Allele origin: unknown.

Labcorp Genetics (formerly Invitae), Labcorp
Classification: Uncertain significance for Xanthinuria type II. Last evaluated: 2021-12-02. Review status: criteria provided, single submitter. Criteria: Invitae Variant Classification Sherloc (09022015). Collection method: clinical testing. Allele origin: germline.
Comment: In summary, the available evidence is currently insufficient to determine the role of this variant in disease. Therefore, it has been classified as a Variant of Uncertain Significance. Algorithms developed to predict the effect of missense changes on protein structure and function output the following: SIFT: "Tolerated"; PolyPhen-2: "Benign"; Align-GVGD: "Class C0". The aspartic acid amino acid residue is found in multiple mammalian species, which suggests that this missense change does not adversely affect protein function. This variant has not been reported in the literature in individuals affected with MOCOS-related conditions. This variant is present in population databases (rs188606897, gnomAD 0.03%). This sequence change replaces glutamic acid, which is acidic and polar, with aspartic acid, which is acidic and polar, at codon 656 of the MOCOS protein (p.Glu656Asp).